The following is an entry in ClinVar:

ClinVar aggregate classification (germline): Uncertain significance (1 of 4 stars; one submission).

Conditions:
Leigh syndrome (NULS). Also called: Leigh's necrotizing encephalopathy; Leigh's disease; Leigh Syndrome (mtDNA deletion); Leigh's syndrome; LEIGH SYNDROME, NUCLEAR; Leigh Disease. Identifiers: Orphanet 506, MedGen C2931891, MONDO:0009723, OMIM 256000.

Allele frequency attached by ClinVar (database versions not stated): TOPMed below 0.00001.
gnomAD v4.1: 9 of 1,518,300 alleles (0.00059%); highest among the groups gnomAD compares: South Asian, 0.0097%; no homozygotes.

Submission:

Labcorp Genetics (formerly Invitae), Labcorp
Classification: Uncertain significance for Leigh syndrome. Last evaluated: 2023-03-21. Review status: criteria provided, single submitter. Criteria: Invitae Variant Classification Sherloc (09022015). Collection method: clinical testing. Allele origin: germline.
Comment: In summary, the available evidence is currently insufficient to determine the role of this variant in disease. Therefore, it has been classified as a Variant of Uncertain Significance. Experimental studies and prediction algorithms are not available or were not evaluated, and the functional significance of this variant is currently unknown. ClinVar contains an entry for this variant (Variation ID: 1964508). This variant has not been reported in the literature in individuals affected with SURF1-related conditions. The frequency data for this variant in the population databases is considered unreliable, as metrics indicate poor data quality at this position in the gnomAD database. This sequence change replaces proline, which is neutral and non-polar, with leucine, which is neutral and non-polar, at codon 20 of the SURF1 protein (p.Pro20Leu).

NM_003172.4(SURF1):c.59C>T (p.Pro20Leu)

Genes: SURF1 (SURF1 cytochrome c oxidase assembly factor; minus strand), LOC130002899 (ATAC-STARR-seq lymphoblastoid silent region 20452; plus strand). Cytogenetic location: 9q34.2.
Variant type: single nucleotide variant.
Coding change: c.59C>T on transcript NM_003172.4 (MANE Select); coding-DNA position 59, C replaced by T.
Protein change: p.Pro20Leu; replaces proline 20 with leucine.
Molecular consequence: missense variant. On other transcripts: intron variant (1).
Genome position (GRCh38, 1-based): chr9:133,356,316, G>A on the plus strand (C>T on the coding strand, the complement: SURF1 is on the minus strand). VCF-style: chr9-133356316-G-A. GRCh37 (hg19) VCF-style: chr9-136223171-G-A.
Other names: c.-222+84C>T (NM_001280787.1); short protein forms P20L.
Identifiers: ClinVar variation 1964508 (VCV001964508.3), dbSNP rs782764509, ClinGen allele CA200834051.